The following is an entry in ClinVar:

ClinVar aggregate classification (germline): Pathogenic (0 of 4 stars; one submission).

Submission:

Diagnostics Centre, Carl Von Ossietzky University Oldenburg
Classification: Pathogenic. Last evaluated: 2025-04-09. Review status: no assertion criteria provided. Collection method: clinical testing. Allele origin: germline. Affected: yes. Observed: 1 variant allele.
Comment: The alteration described here encompasses approximately 1.7–1.8 Mb deletion and affects at least nine protein-coding genes. Due to the uncertainty regarding the exact breakpoint positions, it cannot be determined whether the deletion overlaps with RGPD6. The identified variant is consistent with the presence of 2q13 microdeletion syndrome which is associated with a broad phenotypic spectrum, which is partly determined by the specific genes included within the deleted region. Both deletions and duplications involving chromosome 2q13 have been reported in the literature, with variable breakpoint positions. Although the exact breakpoints of the present alteration cannot be determined using the applied methodology, the critical genes affected are consistent with those reported in previously described pathogenic 2q13 deletions. Clinical manifestations include intellectual disability, developmental delay, behavioral abnormalities such as autism spectrum disorder or attention-deficit/hyperactivity disorder (ADHD), congenital heart defects (including atrial septal defect [ASD], ventricular septal defect [VSD], atrioventricular septal defect, partial anomalous pulmonary venous connection, and hypoplastic left ventricle), craniofacial anomalies, and/or hypotonia. Additional findings may include mild facial dysmorphism, scoliosis, and renal or genital malformations. Overall, the clinical presentation is highly variable. Several reported cases of 2q13 microdeletion syndrome have demonstrated incomplete penetrance, indicating that not all individuals carrying the deletion develop clinically apparent manifestations. In summary, this deletion is classified as Pathogenic.

GRCh38/hg38 2q13-14.1(chr2:110630883-112361026)x1

Genes: ACOXL (acyl-CoA oxidase like; plus strand), ACOXL-AS1 (ACOXL antisense RNA 1; minus strand), ANAPC1 (anaphase promoting complex subunit 1; minus strand), BCL2L11 (BCL2 like 11; plus strand), BUB1 (BUB1 mitotic checkpoint serine/threonine kinase; minus strand) and 50 more. Cytogenetic location: 2q13-14.1.
Variant type: copy number loss.
Change: copy number 1 (one copy instead of two) of chr2:110,630,883-112,361,026 (1.73 Mb, GRCh38 coordinates, 1-based), cytogenetic band 2q13-14.1.
Identifiers: ClinVar variation 4886812 (VCV004886812.1).